The following is an entry in ClinVar:

ClinVar aggregate classification (germline): Likely benign (1 of 4 stars; one submission).

Submission:

CeGaT Center for Human Genetics Tuebingen
Classification: Likely benign. Last evaluated: 2024-09-01. Review status: criteria provided, single submitter. Criteria: CeGaT Center For Human Genetics Tuebingen Variant Classification Criteria Version 2. Collection method: clinical testing. Allele origin: germline. Affected: yes. Observed: 1 variant allele.
Comment: SPG11: BP4, BP7

NM_025137.4(SPG11):c.4431C>G (p.Leu1477=)

Gene: SPG11 (SPG11 vesicle trafficking associated, spatacsin; minus strand). Cytogenetic location: 15q21.1.
Variant type: single nucleotide variant.
Coding change: c.4431C>G on transcript NM_025137.4 (MANE Select); coding-DNA position 4431, C replaced by G.
Protein change: p.Leu1477=; no amino-acid change (leucine 1477 retained).
Molecular consequence: synonymous variant.
Genome position (GRCh38, 1-based): chr15:44,596,086, G>C on the plus strand (C>G on the coding strand, the complement: SPG11 is on the minus strand). VCF-style: chr15-44596086-G-C. GRCh37 (hg19) VCF-style: chr15-44888284-G-C.
Other names: c.4431C>G, p.Leu1477= (NM_001160227.2, NM_001411132.1).
Identifiers: ClinVar variation 3389779 (VCV003389779.14).